The following is an entry in ClinVar:

ClinVar aggregate classification (germline): Likely benign (1 of 4 stars; one submission).

Allele frequency attached by ClinVar (database versions not stated): gnomAD 0.00001; gnomAD exomes 0.00001; TOPMed 0.00001.
gnomAD v4.1: 10 of 1,584,358 alleles (0.00063%); highest among the groups gnomAD compares: African/African-American, 0.0013%; no homozygotes.

Submission:

CeGaT Center for Human Genetics Tuebingen
Classification: Likely benign. Last evaluated: 2022-08-01. Review status: criteria provided, single submitter. Criteria: CeGaT Center For Human Genetics Tuebingen Variant Classification Criteria Version 2. Collection method: clinical testing. Allele origin: germline. Affected: yes. Observed: 1 variant allele.
Comment: WDR1: BP4, BP7

NM_017491.5(WDR1):c.831G>A (p.Thr277=)

Gene: WDR1 (WD repeat domain 1; minus strand). Cytogenetic location: 4p16.1.
Variant type: single nucleotide variant.
Coding change: c.831G>A on transcript NM_017491.5 (MANE Select); coding-DNA position 831, G replaced by A.
Protein change: p.Thr277=; no amino-acid change (threonine 277 retained).
Molecular consequence: synonymous variant.
Genome position (GRCh38, 1-based): chr4:10,087,827, C>T on the plus strand (G>A on the coding strand, the complement: WDR1 is on the minus strand). VCF-style: chr4-10087827-C-T. GRCh37 (hg19) VCF-style: chr4-10089451-C-T.
Other names: c.411G>A, p.Thr137= (NM_005112.5).
Identifiers: ClinVar variation 1711588 (VCV001711588.30), dbSNP rs1324601765, ClinGen allele CA438695248.